The following is an entry in ClinVar:

NM_006270.5(RRAS):c.271G>A (p.Gly91Arg)

Gene: RRAS (RAS related; minus strand). Cytogenetic location: 19q13.33.
Variant type: single nucleotide variant.
Coding change: c.271G>A on transcript NM_006270.5 (MANE Select); coding-DNA position 271, G replaced by A.
Protein change: p.Gly91Arg; replaces glycine 91 with arginine.
Molecular consequence: missense variant.
Genome position (GRCh38, 1-based): chr19:49,636,897, C>T on the plus strand (G>A on the coding strand, the complement: RRAS is on the minus strand). VCF-style: chr19-49636897-C-T. GRCh37 (hg19) VCF-style: chr19-50140154-C-T.
Other names: short protein forms G91R.
Identifiers: ClinVar variation 4156993 (VCV004156993.2).

ClinVar aggregate classification (germline): Uncertain significance. Review status: criteria provided, multiple submitters, no conflicts (2 of 4 stars). 2 submissions from 2 submitters: Uncertain significance (2). Last evaluated 2026-04-07.

Submissions (2):

Women's Health and Genetics/Laboratory Corporation of America, LabCorp
Classification: Uncertain significance. Last evaluated: 2026-04-07. Review status: criteria provided, single submitter. Criteria: LabCorp Variant Classification Summary - May 2015. Collection method: clinical testing. Allele origin: germline.
Comment: Variant summary: RRAS c.271G>A (p.Gly91Arg) results in a non-conservative amino acid change in the encoded protein sequence. Algorithms developed to predict the effect of missense changes on protein structure and function are either unavailable or do not agree on the potential impact of this missense change. The variant was absent in 250652 control chromosomes. The available data on variant occurrences in the general population are insufficient to allow any conclusion about variant significance. To our knowledge, no occurrence of c.271G>A in individuals affected with RRAS-related conditions and no experimental evidence demonstrating its impact on protein function have been reported. ClinVar contains an entry for this variant (Variation ID: 4156993). Based on the evidence outlined above, the variant was classified as uncertain significance.

Ambry Genetics
Classification: Uncertain significance. Last evaluated: 2025-08-14. Review status: criteria provided, single submitter. Criteria: Ambry Variant Classification Scheme 2023. Collection method: clinical testing. Allele origin: germline.